The following is an entry in ClinVar:

NM_001271.4(CHD2):c.5392G>A (p.Asp1798Asn)

Gene: CHD2 (chromodomain helicase DNA binding protein 2; plus strand). Cytogenetic location: 15q26.1.
Variant type: single nucleotide variant.
Coding change: c.5392G>A on transcript NM_001271.4 (MANE Select); coding-DNA position 5392, G replaced by A.
Protein change: p.Asp1798Asn; replaces aspartic acid 1798 with asparagine.
Molecular consequence: missense variant.
Genome position (GRCh38, 1-based): chr15:93,024,610, G>A. VCF-style: chr15-93024610-G-A. GRCh37 (hg19) VCF-style: chr15-93567840-G-A.
Other names: short protein forms D1798N.
Identifiers: ClinVar variation 373527 (VCV000373527.1), dbSNP rs1057518463, ClinGen allele CA16043040.
Genomic context (GRCh38, chr15:93,024,610, plus strand): 5'-CCCCCATTGCACCCTGCAGTCTCAGATCCTCGCTCACCCCCTTCTCAGAAATCTCCTCAC[G>A]ATTCCAAGTCACCCCTGGATCATAGGTCTCCTTTGGAGAGATCACTAGAACAGAAAAACA-3'
Protein context (NP_001262.3, residues 1788-1808): RSPPSQKSPH[Asp1798Asn]SKSPLDHRSP

ClinVar aggregate classification (germline): Uncertain significance (1 of 4 stars; one submission).

gnomAD v4.1: 4 of 1,614,128 alleles (0.00025%); highest among the groups gnomAD compares: Admixed American, 0.0017%; no homozygotes.

Submission:

GeneDx
Classification: Uncertain significance. Last evaluated: 2016-11-22. Review status: criteria provided, single submitter. Criteria: GeneDx Variant Classification (06012015). Collection method: clinical testing. Allele origin: germline. Affected: yes.
Comment: A variant of uncertain significance has been identified in the CHD2 gene. The D1798N variant has not been published as a pathogenic variant, nor has it been reported as a benign variant to our knowledge. It was not observed in approximately 6,000 individuals of European and African American ancestry in the NHLBI Exome Sequencing Project, indicating it is not a common benign variant in these populations. The D1798N variant is a semi-conservative amino acid substitution, which may impact secondary protein structure as these residues differ in some properties. This substitution occurs at a position where amino acids with similar properties to Aspartic acid are tolerated across species. In silico analysis is inconsistent in its predictions as to whether or not the variant is damaging to the protein structure/function. Based on the currently available information, it is unclear whether this variant is a pathogenic variant or a rare benign variant.